The following is an entry in ClinVar:

NM_002471.4(MYH6):c.5036G>A (p.Arg1679His)

Genes: MYH6 (myosin heavy chain 6; minus strand), LOC126861896 (BRD4-independent group 4 enhancer GRCh37_chr14:23854904-23856103; plus strand). Cytogenetic location: 14q11.2.
Variant type: single nucleotide variant.
Coding change: c.5036G>A on transcript NM_002471.4 (MANE Select); coding-DNA position 5036, G replaced by A.
Protein change: p.Arg1679His; replaces arginine 1679 with histidine.
Molecular consequence: missense variant.
Genome position (GRCh38, 1-based): chr14:23,386,055, C>T on the plus strand (G>A on the coding strand, the complement: MYH6 is on the minus strand). VCF-style: chr14-23386055-C-T. GRCh37 (hg19) VCF-style: chr14-23855264-C-T.
Other names: c.5036G>A (NM_002471.3); short protein forms R1679H.
Identifiers: ClinVar variation 1061423 (VCV001061423.10), dbSNP rs483352719, ClinGen allele CA7114561.

ClinVar aggregate classification (germline): Uncertain significance. Review status: criteria provided, multiple submitters, no conflicts (2 of 4 stars). 2 submissions from 2 submitters: Uncertain significance (2). Last evaluated 2026-01-25.

Conditions:
Cardiovascular phenotype. Identifiers: MedGen CN230736.
Hypertrophic cardiomyopathy 14. Identifiers: MedGen C2750467, MONDO:0013197, OMIM 613251.

Allele frequency attached by ClinVar (database versions not stated): ExAC 0.00002; gnomAD exomes 0.00002; TOPMed 0.00001.
gnomAD v4.1: 22 of 1,614,204 alleles (0.0014%); highest among the groups gnomAD compares: South Asian, 0.0033%; no homozygotes.

Submissions (2):

Labcorp Genetics (formerly Invitae), Labcorp
Classification: Uncertain significance for Hypertrophic cardiomyopathy 14. Last evaluated: 2026-01-25. Review status: criteria provided, single submitter. Criteria: Invitae Variant Classification Sherloc (09022015). Collection method: clinical testing. Allele origin: germline.
Comment: This sequence change replaces arginine, which is basic and polar, with histidine, which is basic and polar, at codon 1679 of the MYH6 protein (p.Arg1679His). This variant is present in population databases (rs483352719, gnomAD 0.003%). This variant has not been reported in the literature in individuals affected with MYH6-related conditions. ClinVar contains an entry for this variant (Variation ID: 1061423). Invitae Evidence Modeling of protein sequence and biophysical properties (such as structural, functional, and spatial information, amino acid conservation, physicochemical variation, residue mobility, and thermodynamic stability) indicates that this missense variant is expected to disrupt MYH6 protein function with a positive predictive value of 80%. In summary, the available evidence is currently insufficient to determine the role of this variant in disease. Therefore, it has been classified as a Variant of Uncertain Significance.

Ambry Genetics
Classification: Uncertain significance for Cardiovascular phenotype. Last evaluated: 2023-12-30. Review status: criteria provided, single submitter. Criteria: Ambry Variant Classification Scheme 2023. Collection method: clinical testing. Allele origin: germline.
Comment: The p.R1679H variant (also known as c.5036G>A), located in coding exon 32 of the MYH6 gene, results from a G to A substitution at nucleotide position 5036. The arginine at codon 1679 is replaced by histidine, an amino acid with highly similar properties. This amino acid position is conserved. In addition, this alteration is predicted to be deleterious by in silico analysis. Since supporting evidence is limited at this time, the clinical significance of this alteration remains unclear.